The following is an entry in ClinVar:

ClinVar aggregate classification (germline): Uncertain significance. Review status: criteria provided, multiple submitters, no conflicts (2 of 4 stars). 4 submissions from 4 submitters: Uncertain significance (4). Last evaluated 2025-08-18.

Conditions:
Hereditary cancer-predisposing syndrome. Also called: Neoplastic Syndromes, Hereditary; Tumor predisposition; Hereditary Cancer Syndrome; Hereditary neoplastic syndrome. Identifiers: Orphanet 140162, MedGen C0027672, MeSH D009386, MONDO:0015356.
Familial cancer of breast. Also called: BREAST CANCER, FAMILIAL; hereditary breast carcinoma; Hereditary breast cancer. Identifiers: Orphanet 227535, MedGen C0346153, MONDO:0016419, OMIM 114480. Disease mechanism: loss of function.

Allele frequency attached by ClinVar (database versions not stated): ExAC 0.00002.
gnomAD v4.1: 1 of 1,558,426 alleles (0.000064%); highest among the groups gnomAD compares: Non-Finnish European, 0.000088%; no homozygotes.

Submissions (4):

Labcorp Genetics (formerly Invitae), Labcorp
Classification: Uncertain significance for Familial cancer of breast. Last evaluated: 2025-08-18. Review status: criteria provided, single submitter. Criteria: Invitae Variant Classification Sherloc (09022015). Collection method: clinical testing. Allele origin: germline.
Comment: This sequence change replaces proline, which is neutral and non-polar, with histidine, which is basic and polar, at codon 283 of the CHEK2 protein (p.Pro283His). This variant is not present in population databases (gnomAD no frequency). This variant has not been reported in the literature in individuals affected with CHEK2-related conditions. ClinVar contains an entry for this variant (Variation ID: 233219). An algorithm developed to predict the effect of missense changes on protein structure and function (PolyPhen-2) suggests that this variant is likely to be disruptive. In summary, the available evidence is currently insufficient to determine the role of this variant in disease. Therefore, it has been classified as a Variant of Uncertain Significance.

Ambry Genetics
Classification: Uncertain significance for Hereditary cancer-predisposing syndrome. Last evaluated: 2024-03-23. Review status: criteria provided, single submitter. Criteria: Ambry Variant Classification Scheme 2023. Collection method: clinical testing. Allele origin: germline.
Comment: The p.P283H variant (also known as c.848C>A), located in coding exon 7 of the CHEK2 gene, results from a C to A substitution at nucleotide position 848. The proline at codon 283 is replaced by histidine, an amino acid with similar properties. This amino acid position is highly conserved in available vertebrate species. In addition, the in silico prediction for this alteration is inconclusive. Since supporting evidence is limited at this time, the clinical significance of this alteration remains unclear.

Baylor Genetics
Classification: Uncertain significance for Familial cancer of breast. Last evaluated: 2023-11-19. Review status: criteria provided, single submitter. Criteria: ACMG Guidelines, 2015. Collection method: clinical testing. Allele origin: unknown.

Color Diagnostics, LLC DBA Color Health
Classification: Uncertain significance for Hereditary cancer-predisposing syndrome. Last evaluated: 2019-08-12. Review status: criteria provided, single submitter. Criteria: ACMG Guidelines, 2015. Collection method: clinical testing. Allele origin: germline.
Comment: This missense variant replaces proline with histidine at codon 283 of the CHEK2 protein. Computational prediction tools and conservation analyses suggest that this variant may have deleterious impact on the protein function. Computational splicing tools suggest that this variant may not impact RNA splicing. To our knowledge, functional assays have not been performed for this variant nor has this variant been reported in individuals affected with hereditary cancer in the literature. This variant has not been identified in the general population by the Genome Aggregation Database (gnomAD). Available evidence is insufficient to determine the role of this variant in disease conclusively. Therefore, this variant is classified as a Variant of Uncertain Significance.

NM_007194.4(CHEK2):c.848C>A (p.Pro283His)

Gene: CHEK2 (checkpoint kinase 2; minus strand). Cytogenetic location: 22q12.1.
Variant type: single nucleotide variant.
Coding change: c.848C>A on transcript NM_007194.4 (MANE Select); coding-DNA position 848, C replaced by A.
Protein change: p.Pro283His; replaces proline 283 with histidine.
Molecular consequence: missense variant.
Genome position (GRCh38, 1-based): chr22:28,703,565, G>T on the plus strand (C>A on the coding strand, the complement: CHEK2 is on the minus strand). VCF-style: chr22-28703565-G-T. GRCh37 (hg19) VCF-style: chr22-29099553-G-T.
Other names: c.977C>A, p.Pro326His (NM_001005735.3); c.185C>A, p.Pro62His (NM_001257387.3); c.647C>A, p.Pro216His (NM_001349956.3); c.848C>A, p.Pro283His (NM_145862.3); short protein forms P283H, P62H, P216H, P326H.
Identifiers: ClinVar variation 233219 (VCV000233219.20), dbSNP rs781222802, ClinGen allele CA10167796.